The following is an entry in ClinVar:

NM_031407.7(HUWE1):c.10607C>A (p.Thr3536Asn)

Gene: HUWE1 (HECT, UBA and WWE domain containing E3 ubiquitin protein ligase 1; minus strand). Cytogenetic location: Xp11.22.
Variant type: single nucleotide variant.
Coding change: c.10607C>A on transcript NM_031407.7 (MANE Select); coding-DNA position 10607, C replaced by A.
Protein change: p.Thr3536Asn; replaces threonine 3536 with asparagine.
Molecular consequence: missense variant.
Genome position (GRCh38, 1-based): chrX:53,547,702, G>T on the plus strand (C>A on the coding strand, the complement: HUWE1 is on the minus strand). VCF-style: chrX-53547702-G-T. GRCh37 (hg19) VCF-style: chrX-53574663-G-T.
Other names: c.10604C>A, p.Thr3535Asn (NM_001441048.1, NM_001441051.1, NM_001441053.1 and 2 more transcripts); c.10607C>A, p.Thr3536Asn (NM_001441049.1, NM_001441054.1, NM_001441057.1); c.10628C>A, p.Thr3543Asn (NM_001441050.1, NM_001441055.1); c.10205C>A, p.Thr3402Asn (NM_001441052.1); short protein forms T3536N, T3543N, T3402N, T3535N.
Identifiers: ClinVar variation 5001968 (VCV005001968.1).
Genomic context (GRCh38, chrX:53,547,702, plus strand): 5'-CCCACAGCTCCCAGTCTACATCCACACTTACTTGAAACAGTAGTGGTAGCAGTCGTGGGG[G>T]TAGTCACTGTGGTCGAAGCAGCTACGACAATGGTGGAAATAGCCGTGGCAGCAACCAGGG-3'
Protein context (NP_113584.3, residues 3526-3546): IVVAASTTVT[Thr3536Asn]PTTATTTVSI

ClinVar aggregate classification (germline): Uncertain significance (1 of 4 stars; one submission).

Conditions:
HUWE1-related disorder. Also called: HUWE1-related condition.

Submission:

PreventionGenetics, part of Exact Sciences
Classification: Uncertain significance for HUWE1-related condition. Last evaluated: 2025-02-25. Review status: criteria provided, single submitter. Criteria: ACMG Guidelines, 2015. Collection method: clinical testing. Allele origin: germline.
Comment: The HUWE1 c.10607C>A variant is predicted to result in the amino acid substitution p.Thr3536Asn. To our knowledge, this variant has not been reported in the literature. This variant is reported in 0.0037% of alleles in individuals of Latino descent in gnomAD. At this time, the clinical significance of this variant is uncertain due to the absence of conclusive functional and genetic evidence.